The following is an entry in ClinVar:

NM_001378454.1(ALMS1):c.36_74= (p.Leu12_Glu25=)

Gene: ALMS1 (ALMS1 centrosome and basal body associated protein; plus strand). Cytogenetic location: 2p13.1.
Variant type: Deletion.
Coding change: c.36_74= on transcript NM_001378454.1 (MANE Select); coding-DNA positions 36 to 74, no change from the reference sequence.
Protein change: p.Leu12_Glu25=.
Molecular consequence: no sequence alteration.
Genome position: GRCh38: chr2:73,385,904-73,385,942. GRCh37 (hg19): chr2:73,613,032-73,613,070.
Other names: c.39_77=, p.Glu13_Glu26= (NM_015120.4).
Identifiers: ClinVar variation 193377 (VCV000193377.17), dbSNP rs55889738.
Genomic context (GRCh38, chr2:73,385,904, plus strand): 5'-CTGCCGCCCAGAGCGAGACACCAACATGGAGCCCGAGGATCTGCCATGGCCGGGCGAGCT[GGAGGAGGAGGAGGAGGAGGAGGAGGAGGAGGAGGAGGA=]AGAGGAGGAGGCTGCAGCGGCGGCGGCGGCGAACGTGGACGACGTAGTGGTCGTGGAGGA-3'

ClinVar aggregate classification (germline): Benign/Likely benign. Review status: criteria provided, multiple submitters, no conflicts (2 of 4 stars). 7 submissions from 7 submitters: Benign (5); Likely benign (2). Last evaluated 2018-11-19.

Conditions:
Cardiovascular phenotype. Identifiers: MedGen CN230736.

Allele frequency attached by ClinVar (database versions not stated): 1000 Genomes Project 0.23403.

Submissions (7):

Ambry Genetics
Classification: Benign for Cardiovascular phenotype. Last evaluated: 2018-11-19. Review status: criteria provided, single submitter. Criteria: Ambry Variant Classification Scheme 2023. Collection method: clinical testing. Allele origin: germline.

Women's Health and Genetics/Laboratory Corporation of America, LabCorp
Classification: Benign. Last evaluated: 2018-03-12. Review status: criteria provided, single submitter. Criteria: LabCorp Variant Classification Summary - May 2015. Collection method: clinical testing. Allele origin: germline.
Comment: Variant summary: ALMS1 c.72_74delGGA (p.Glu29del, alternative name c.75_77delGGA) results in an in-frame deletion that is predicted to remove one amino acid from the repetitive region of the encoded protein. The variant allele was found at a frequency of 0.058 in 118306 control chromosomes in the gnomAD database, including 292 homozygotes. The observed variant frequency is approximately 26.064 fold of the estimated maximal expected allele frequency for a pathogenic variant in ALMS1 causing Cardiomyopathy phenotype (0.0022), strongly suggesting that the variant is benign. c.72_74delGGA has been reported in the literature in affected individuals with comparible frequency as in controls. To our knowledge, no experimental evidence demonstrating an impact on protein function has been reported. Four clinical diagnostic laboratories have submitted clinical-significance assessments for this variant to ClinVar after 2014 without evidence for independent evaluation. All laboratories classified the variant as benign/likely benign. Based on the evidence outlined above, the variant was classified as benign.

GeneDx
Classification: Benign. Last evaluated: 2017-08-09. Review status: criteria provided, single submitter. Criteria: GeneDx Variant Classification Process June 2021. Collection method: clinical testing. Allele origin: germline. Affected: yes.

Center for Pediatric Genomic Medicine, Children's Mercy Hospital and Clinics
Classification: Likely benign. Last evaluated: 2016-03-18. Review status: criteria provided, single submitter. Criteria: ACMG Guidelines, 2015. Collection method: clinical testing. Allele origin: germline.
ClinVar note: Converted during submission from Likely Benign to Likely benign.

Genomic Diagnostic Laboratory, Division of Genomic Diagnostics, Children's Hospital of Philadelphia
Classification: Benign. Last evaluated: 2015-09-03. Review status: criteria provided, single submitter. Criteria: DGD Variant Analysis Guidelines. Collection method: clinical testing. Allele origin: unknown.

Eurofins Ntd Llc (ga)
Classification: Likely benign. Last evaluated: 2014-08-21. Review status: criteria provided, single submitter. Criteria: EGL Classification Definitions 2015. Collection method: clinical testing. Allele origin: germline. Observed: 3 variant alleles, 2 heterozygotes, 1 homozygote.

PreventionGenetics, part of Exact Sciences
Classification: Benign. Review status: criteria provided, single submitter. Criteria: ACMG Guidelines, 2015. Collection method: clinical testing. Allele origin: germline.